The following is an entry in ClinVar:

NM_015662.3(IFT172):c.3808A>C (p.Lys1270Gln)

Genes: IFT172 (intraflagellar transport 172; minus strand), LOC126806173 (BRD4-independent group 4 enhancer GRCh37_chr2:27676057-27677256; plus strand). Cytogenetic location: 2p23.3.
Variant type: single nucleotide variant.
Coding change: c.3808A>C on transcript NM_015662.3 (MANE Select); coding-DNA position 3808, A replaced by C.
Protein change: p.Lys1270Gln; replaces lysine 1270 with glutamine.
Molecular consequence: missense variant.
Genome position (GRCh38, 1-based): chr2:27,453,643, T>G on the plus strand (A>C on the coding strand, the complement: IFT172 is on the minus strand). VCF-style: chr2-27453643-T-G. GRCh37 (hg19) VCF-style: chr2-27676510-T-G.
Other names: c.3742A>C, p.Lys1248Gln (NM_001410739.1); short protein forms K1270Q, K1248Q.
Identifiers: ClinVar variation 2469390 (VCV002469390.5), dbSNP rs773009469, ClinGen allele CA1579860.

ClinVar aggregate classification (germline): Uncertain significance. Review status: criteria provided, multiple submitters, no conflicts (2 of 4 stars). 4 submissions from 4 submitters: Uncertain significance (4). Last evaluated 2024-03-11.

Conditions:
Retinitis pigmentosa 71 (RP71). Identifiers: Orphanet 791, MedGen C4225342, MONDO:0014618, OMIM 616394.
Bardet-Biedl syndrome 20. Identifiers: MedGen C4310707, MONDO:0023670, OMIM 619471, MONDO:0014926.
Short-rib thoracic dysplasia 10 with or without polydactyly (SRTD10). Identifiers: Orphanet 474, MedGen C3810175, MONDO:0014284, OMIM 615630.
Bardet-Biedl syndrome (BBS). Identifiers: Orphanet 110, MedGen C0752166, MONDO:0015229.
Inborn genetic diseases. Identifiers: MedGen C0950123, MeSH D030342.

Allele frequency attached by ClinVar (database versions not stated): TOPMed below 0.00001; gnomAD 0.00001; gnomAD exomes 0.00002; ExAC 0.00003.

Submissions (4):

Fulgent Genetics
Classification: Uncertain significance for Short-rib thoracic dysplasia 10 with or without polydactyly; Retinitis pigmentosa 71; Bardet-Biedl syndrome 20. Last evaluated: 2024-03-11. Review status: criteria provided, single submitter. Criteria: ACMG Guidelines, 2015. Collection method: clinical testing. Allele origin: germline.

Blueprint Genetics
Classification: Uncertain significance. Last evaluated: 2023-04-19. Review status: criteria provided, single submitter. Criteria: ACMG Guidelines, 2015. Collection method: clinical testing. Allele origin: germline.

Ambry Genetics
Classification: Uncertain significance for Inborn genetic diseases. Last evaluated: 2023-02-23. Review status: criteria provided, single submitter. Criteria: Ambry Variant Classification Scheme 2023. Collection method: clinical testing. Allele origin: germline.

SN ONGC Dept of Genetics and Molecular biology Vision Research Foundation
Classification: Uncertain significance for Bardet-Biedl syndrome. Review status: criteria provided, single submitter. Criteria: ACMG Guidelines, 2015. Collection method: research. Allele origin: unknown. Affected: yes. Observed: 1 heterozygote.
Comment: This variant was observed in digenic inheritance with the variant NC_000014.8:g.21794291G>C.